The following is an entry in ClinVar:

ClinVar aggregate classification (germline): Uncertain significance (1 of 4 stars; one submission).

Conditions:
Cardiovascular phenotype. Identifiers: MedGen CN230736.

Submission:

Ambry Genetics
Classification: Uncertain significance for Cardiovascular phenotype. Last evaluated: 2025-07-09. Review status: criteria provided, single submitter. Criteria: Ambry Variant Classification Scheme 2023. Collection method: clinical testing. Allele origin: germline.
Comment: The p.M498I variant (also known as c.1494G>A), located in coding exon 1 of the ZNF469 gene, results from a G to A substitution at nucleotide position 1494. The methionine at codon 498 is replaced by isoleucine, an amino acid with highly similar properties. This amino acid position is conserved. In addition, this alteration is predicted to be tolerated by in silico analysis. Based on the available evidence, the clinical significance of this variant remains unclear.

NM_001127464.1:c.1494G>A

Gene: ZNF469 (zinc finger protein 469; plus strand).
Variant type: single nucleotide variant.
Identifiers: ClinVar variation 4209160 (VCV004209160.1).